The following is an entry in ClinVar:

NM_001252024.2(TRPM1):c.68_69inv (p.Met23Thr)

Gene: TRPM1 (transient receptor potential cation channel subfamily M member 1; minus strand). Cytogenetic location: 15q13.3.
Variant type: Inversion.
Coding change: c.68_69inv on transcript NM_001252024.2 (MANE Select).
Protein change: p.Met23Thr; replaces methionine 23 with threonine.
Molecular consequence: missense variant. On other transcripts: initiator codon variant (2).
Genome position: GRCh38 VCF-style: chr15-31076919-CA-TG. GRCh37 (hg19) VCF-style: chr15-31369122-CA-TG.
Other names: c.119_120inv, p.Met40Thr (NM_001252020.2); c.2_3inv, p.Met1Thr (NM_001252030.2, NM_002420.6); c.119_120delinsCA (NM_001252020.1); short protein forms M1T, M23T, M40T.
Identifiers: ClinVar variation 1038747 (VCV001038747.7), ClinGen allele CA2499222864.

ClinVar aggregate classification (germline): Uncertain significance. Review status: criteria provided, multiple submitters, no conflicts (2 of 4 stars). 2 submissions from 2 submitters: Uncertain significance (2). Last evaluated 2026-09-23.

Conditions:
TRPM1-related disorder. Also called: TRPM1-related condition.

Submissions (2):

PreventionGenetics, part of Exact Sciences
Classification: Uncertain significance for TRPM1-related condition. Last evaluated: 2026-09-23. Review status: criteria provided, single submitter. Criteria: ACMG Guidelines, 2015. Collection method: clinical testing. Allele origin: germline.
Comment: The TRPM1 c.119_120delinsCA variant is predicted to result in an in-frame deletion and insertion. This variant was reported in an individual with cone rod dystrophy (Patel et al. 2016. PubMed ID: 26355662). This variant has not been reported in a large population database (gnomAD), indicating this variant is rare. At this time, the clinical significance of this variant is uncertain due to the absence of conclusive functional and genetic evidence.

Labcorp Genetics (formerly Invitae), Labcorp
Classification: Uncertain significance. Last evaluated: 2024-10-24. Review status: criteria provided, single submitter. Criteria: Invitae Variant Classification Sherloc (09022015). Collection method: clinical testing. Allele origin: germline.
Comment: This sequence change affects the initiator methionine of the TRPM1 mRNA. The next in-frame methionine is located at codon 71. This variant is present in population databases (no rsID available, gnomAD 0.01%). Disruption of the initiator codon has been observed in individual(s) with retinal dystrophy and/or inherited retinal disease (PMID: 26355662, 27124789). ClinVar contains an entry for this variant (Variation ID: 1038747). Experimental studies and prediction algorithms are not available or were not evaluated, and the functional significance of this variant is currently unknown. In summary, the available evidence is currently insufficient to determine the role of this variant in disease. Therefore, it has been classified as a Variant of Uncertain Significance.

Literature cited by the submitters: PubMed 26355662 (cited by Labcorp Genetics (formerly Invitae), Labcorp); PubMed 27124789 (cited by Labcorp Genetics (formerly Invitae), Labcorp).